The following is an entry in ClinVar:

ClinVar aggregate classification (germline): Uncertain significance (1 of 4 stars; one submission).

gnomAD v4.1: 2 of 1,595,712 alleles (0.00013%); highest among the groups gnomAD compares: Non-Finnish European, 0.000086%; no homozygotes.

Submission:

CeGaT Center for Human Genetics Tuebingen
Classification: Uncertain significance. Last evaluated: 2026-03-01. Review status: criteria provided, single submitter. Criteria: CeGaT Center For Human Genetics Tuebingen Variant Classification Criteria Version 2. Collection method: clinical testing. Allele origin: germline. Affected: yes. Observed: 1 variant allele.
Comment: NOTCH1: PM2:Supporting, PM5:Supporting, BP4

NM_017617.5(NOTCH1):c.4168C>T (p.Pro1390Ser)

Gene: NOTCH1 (notch receptor 1; minus strand). Cytogenetic location: 9q34.3.
Variant type: single nucleotide variant.
Coding change: c.4168C>T on transcript NM_017617.5 (MANE Select); coding-DNA position 4168, C replaced by T.
Protein change: p.Pro1390Ser; replaces proline 1390 with serine.
Molecular consequence: missense variant.
Genome position (GRCh38, 1-based): chr9:136,505,728, G>A on the plus strand (C>T on the coding strand, the complement: NOTCH1 is on the minus strand). VCF-style: chr9-136505728-G-A. GRCh37 (hg19) VCF-style: chr9-139400180-G-A.
Other names: short protein forms P1390S.
Identifiers: ClinVar variation 4822097 (VCV004822097.4).
Genomic context (GRCh38, chr9:136,505,728, plus strand): 5'-GGCTCTCGGATGTGGGCTCACAGGTCCCCTGGTTGTAGCAGGGGTTGCCGCCCAGGCAGG[G>A]GCTGCTGGCCGGGAACTGGCATTCGGGGCCCGTGAAGGGGCCCAGGCACAGGCAGGTGGG-3'
Protein context (NP_060087.3, residues 1380-1400): GPECQFPASS[Pro1390Ser]CLGGNPCYNQ